The following is an entry in ClinVar:

Conditions:
Arteriohepatic dysplasia. Also called: Alagille Syndrome. Identifiers: Orphanet 52, MedGen C0085280, MeSH D016738, MONDO:0007318.

Submission:

Gilbert/Spinner Lab, Children's Hospital of Philadelphia
No classification provided (evidence only). Condition: Alagille syndrome. Review status: no classification provided. Collection method: research. Allele origin: not applicable. Functional consequence: functionally_abnormal.
ClinVar note: "not provided" was previously submitted as the classification for the variant. However, the classification appeared to be based only on an observation of functional data so it was converted to no classification on 2025-07-30.

NM_000214.3(JAG1):c.875T>A (p.Leu292His)

Gene: JAG1 (jagged canonical Notch ligand 1; minus strand). Cytogenetic location: 20p12.2.
Variant type: single nucleotide variant.
Coding change: c.875T>A on transcript NM_000214.3 (MANE Select); coding-DNA position 875, T replaced by A.
Protein change: p.Leu292His; replaces leucine 292 with histidine.
Molecular consequence: missense variant.
Genome position (GRCh38, 1-based): chr20:10,652,479, A>T on the plus strand (T>A on the coding strand, the complement: JAG1 is on the minus strand). VCF-style: chr20-10652479-A-T. GRCh37 (hg19) VCF-style: chr20-10633127-A-T.
Other names: short protein forms L292H.
Identifiers: ClinVar variation 3573391 (VCV003573391.2).